The following is an entry in ClinVar:

ClinVar aggregate classification (germline): Benign (1 of 4 stars; one submission).

Allele frequency attached by ClinVar (database versions not stated): gnomAD 0.00029; TOPMed 0.00037; gnomAD exomes 0.00074; 1000 Genomes Project 0.00160; 1000 Genomes Project 30x 0.00219.
gnomAD v4.1: 236 of 420,426 alleles (0.056%); highest among the groups gnomAD compares: East Asian, 0.92%; no homozygotes.

Submission:

CeGaT Center for Human Genetics Tuebingen
Classification: Benign. Last evaluated: 2022-07-01. Review status: criteria provided, single submitter. Criteria: CeGaT Center For Human Genetics Tuebingen Variant Classification Criteria Version 2. Collection method: clinical testing. Allele origin: germline. Affected: yes. Observed: 1 variant allele.
Comment: MAP2K2: BS1, BS2

NM_030662.4(MAP2K2):c.1047-366G>T

Gene: MAP2K2 (mitogen-activated protein kinase kinase 2; minus strand). Cytogenetic location: 19p13.3.
Variant type: single nucleotide variant.
Coding change: c.1047-366G>T on transcript NM_030662.4 (MANE Select); 366 bases into the intron before coding-DNA position 1047, G replaced by T.
Molecular consequence: intron variant.
Genome position (GRCh38, 1-based): chr19:4,094,864, C>A on the plus strand (G>T on the coding strand, the complement: MAP2K2 is on the minus strand). VCF-style: chr19-4094864-C-A. GRCh37 (hg19) VCF-style: chr19-4094862-C-A.
Identifiers: ClinVar variation 2649027 (VCV002649027.24), dbSNP rs375040410, ClinGen allele CA304447301.